The following is an entry in ClinVar:

NM_000038.6(APC):c.7531C>G (p.Leu2511Val)

Gene: APC (APC regulator of Wnt signaling pathway; plus strand). Cytogenetic location: 5q22.2.
Variant type: single nucleotide variant.
Coding change: c.7531C>G on transcript NM_000038.6 (MANE Select); coding-DNA position 7531, C replaced by G.
Protein change: p.Leu2511Val; replaces leucine 2511 with valine.
Molecular consequence: missense variant.
Genome position (GRCh38, 1-based): chr5:112,843,125, C>G. VCF-style: chr5-112843125-C-G. GRCh37 (hg19) VCF-style: chr5-112178822-C-G.
Other names: c.7531C>G, p.Leu2511Val (NM_001127510.3, NM_001354895.2); c.7477C>G, p.Leu2493Val (NM_001127511.3); c.7585C>G, p.Leu2529Val (NM_001354896.2); c.7561C>G, p.Leu2521Val (NM_001354897.2); c.7456C>G, p.Leu2486Val (NM_001354898.2); c.7447C>G, p.Leu2483Val (NM_001354899.2); c.7408C>G, p.Leu2470Val (NM_001354900.2); c.7354C>G, p.Leu2452Val (NM_001354901.2); and 5 more; short protein forms L2228V, L2351V, L2385V, L2410V, L2420V, L2452V, L2470V, L2483V.
Identifiers: ClinVar variation 1011457 (VCV001011457.10), dbSNP rs72541815, ClinGen allele CA16037702.

ClinVar aggregate classification (germline): Uncertain significance (1 of 4 stars; one submission).

Conditions:
Familial adenomatous polyposis 1 (FAP1). Also called: FAMILIAL ADENOMATOUS POLYPOSIS 1, ATTENUATED; POLYPOSIS, ADENOMATOUS INTESTINAL. Identifiers: MedGen C2713442, MONDO:0021056, OMIM 175100. Disease mechanism: loss of function.

Submission:

Labcorp Genetics (formerly Invitae), Labcorp
Classification: Uncertain significance for Familial adenomatous polyposis 1. Last evaluated: 2023-02-23. Review status: criteria provided, single submitter. Criteria: Invitae Variant Classification Sherloc (09022015). Collection method: clinical testing. Allele origin: germline.
Comment: This sequence change replaces leucine, which is neutral and non-polar, with valine, which is neutral and non-polar, at codon 2511 of the APC protein (p.Leu2511Val). In summary, the available evidence is currently insufficient to determine the role of this variant in disease. Therefore, it has been classified as a Variant of Uncertain Significance. Advanced modeling of protein sequence and biophysical properties (such as structural, functional, and spatial information, amino acid conservation, physicochemical variation, residue mobility, and thermodynamic stability) performed at Invitae indicates that this missense variant is not expected to disrupt APC protein function. ClinVar contains an entry for this variant (Variation ID: 1011457). This variant has not been reported in the literature in individuals affected with APC-related conditions. This variant is not present in population databases (gnomAD no frequency).